The following is an entry in ClinVar:

ClinVar aggregate classification (germline): Uncertain significance (1 of 4 stars; one submission).

gnomAD v4.1: 3 of 1,614,140 alleles (0.00019%); highest among the groups gnomAD compares: South Asian, 0.0022%; no homozygotes.

Submission:

Labcorp Genetics (formerly Invitae), Labcorp
Classification: Uncertain significance. Last evaluated: 2025-02-24. Review status: criteria provided, single submitter. Criteria: Invitae Variant Classification Sherloc (09022015). Collection method: clinical testing. Allele origin: germline.
Comment: This sequence change replaces valine, which is neutral and non-polar, with methionine, which is neutral and non-polar, at codon 37 of the SLC20A2 protein (p.Val37Met). This variant is present in population databases (rs753094464, gnomAD 0.003%). This variant has not been reported in the literature in individuals affected with SLC20A2-related conditions. Invitae Evidence Modeling of protein sequence and biophysical properties (such as structural, functional, and spatial information, amino acid conservation, physicochemical variation, residue mobility, and thermodynamic stability) has been performed for this missense variant. However, the output from this modeling did not meet the statistical confidence thresholds required to predict the impact of this variant on SLC20A2 protein function. In summary, the available evidence is currently insufficient to determine the role of this variant in disease. Therefore, it has been classified as a Variant of Uncertain Significance.

NM_001257180.2(SLC20A2):c.109G>A (p.Val37Met)

Gene: SLC20A2 (solute carrier family 20 member 2; minus strand). Cytogenetic location: 8p11.21.
Variant type: single nucleotide variant.
Coding change: c.109G>A on transcript NM_001257180.2 (MANE Select); coding-DNA position 109, G replaced by A.
Protein change: p.Val37Met; replaces valine 37 with methionine.
Molecular consequence: missense variant.
Genome position (GRCh38, 1-based): chr8:42,472,282, C>T on the plus strand (G>A on the coding strand, the complement: SLC20A2 is on the minus strand). VCF-style: chr8-42472282-C-T. GRCh37 (hg19) VCF-style: chr8-42329800-C-T.
Other names: c.109G>A, p.Val37Met (NM_001257181.2, NM_006749.5); short protein forms V37M.
Identifiers: ClinVar variation 3662658 (VCV003662658.2).
Genomic context (GRCh38, chr8:42,472,282, plus strand): 5'-TGGTTTCAAATATTGAAGCTAAAATGCATGCCTGCCTCAAGGTCACCACACCAGAGCCCA[C>T]GGCTGTACCAAAGGAGTTGGCAACATCGTTTGCACCAACAGAAAAGGCCAAGATGAAAGC-3'
Protein context (NP_001244109.1, residues 27-47): NDVANSFGTA[Val37Met]GSGVVTLRQA